The following is an entry in ClinVar:

ClinVar aggregate classification (germline): Conflicting classifications of pathogenicity. Review status: criteria provided, conflicting classifications (1 of 4 stars). 6 submissions from 6 submitters: Uncertain significance (2); Likely benign (3). 1 of the submissions does not count toward it. Last evaluated 2026-01-28.

Conditions:
Inborn genetic diseases. Identifiers: MedGen C0950123, MeSH D030342.
BCKDHB-related disorder. Also called: BCKDHB-related condition.
Maple syrup urine disease (MSUD). Identifiers: Orphanet 511, MedGen C0024776, MeSH D008375, MONDO:0009563. Disease mechanism: loss of function.

Allele frequency attached by ClinVar (database versions not stated): gnomAD exomes 0.00020 and 0.00016; gnomAD 0.00025 and 0.00026; ESP Exome Variant Server 0.00031; 1000 Genomes Project 0.00040; 1000 Genomes Project 30x 0.00047; ExAC 0.00016; TOPMed 0.00018.
gnomAD v4.1: 273 of 1,604,130 alleles (0.017%); highest among the groups gnomAD compares: Middle Eastern, 0.13%; no homozygotes.

Submissions (8):

Labcorp Genetics (formerly Invitae), Labcorp
Classification: Likely benign for Maple syrup urine disease. Last evaluated: 2026-01-28. Review status: criteria provided, single submitter. Criteria: Invitae Variant Classification Sherloc (09022015). Collection method: clinical testing. Allele origin: germline.

Ambry Genetics
Classification: Uncertain significance for Inborn genetic diseases. Last evaluated: 2025-02-27. Review status: criteria provided, single submitter. Criteria: Ambry Variant Classification Scheme 2023. Collection method: clinical testing. Allele origin: germline.
Comment: The c.744G>A (p.A248A) alteration is located in exon 7 (coding exon 7) of the BCKDHB gene. This alteration consists of a G to A substitution at nucleotide position 744. This nucleotide substitution does not change the amino acid at codon 248. However, this change occurs in the last nucleotide of Exon 7 (c.743_840) which makes it likely to have some effect on normal mRNA splicing. Based on insufficient or conflicting evidence, the clinical significance of this alteration remains unclear.

Genome-Nilou Lab
Classification: Likely benign for Maple syrup urine disease type 1A. Last evaluated: 2021-11-07. Review status: criteria provided, single submitter. Criteria: ACMG Guidelines, 2015. Collection method: clinical testing. Allele origin: germline. Affected: no.

ARUP Laboratories, Molecular Genetics and Genomics, ARUP Laboratories
Classification: Likely benign. Last evaluated: 2018-06-19. Review status: criteria provided, single submitter. Criteria: ARUP Molecular Germline Variant Investigation Process. Collection method: clinical testing. Allele origin: germline.
Comment: The c.744G>A variant (rs147719822) has not been reported in the medical literature in association with disease. This variant does not alter amino acid sequence of BCKDHB protein, affects a weakly conserved nucleotide, and computational analyses (Alamut v.2.11) predict that this variant does not alter splicing. This variant is rare in the general population and is found with an overall allele frequency of 0.02% (57/276,046 alleles) in the Genome Aggregation Database. Based on available information, this variant is considered to be likely benign.

Illumina Laboratory Services, Illumina
Classification: Uncertain significance for Maple syrup urine disease type 1A. Last evaluated: 2017-04-27. Review status: criteria provided, single submitter. Criteria: ICSL Variant Classification Criteria 13 December 2019. Collection method: clinical testing. Allele origin: germline.

PreventionGenetics, part of Exact Sciences
Classification: Likely benign for BCKDHB-related condition. Last evaluated: 2019-07-10. Review status: no assertion criteria provided. Collection method: clinical testing. Allele origin: germline. Not counted in ClinVar's aggregate classification.
Comment: This variant is classified as likely benign based on ACMG/AMP sequence variant interpretation guidelines (Richards et al. 2015 PMID: 25741868, with internal and published modifications).

Dr. Peter K. Rogan Lab, Western University
No classification provided (evidence only). Condition: Familial cancer of breast. Review status: no classification provided. Collection method: in vitro. Allele origin: not applicable. Functional consequence: retained intron. Not counted in ClinVar's aggregate classification.

Dr. Peter K. Rogan Lab, Western University
No classification provided (evidence only). Condition: Sarcoma. Review status: no classification provided. Collection method: in vitro. Allele origin: not applicable. Functional consequence: retained intron. Not counted in ClinVar's aggregate classification.

NM_183050.4(BCKDHB):c.744G>A (p.Ala248=)

Gene: BCKDHB (branched chain keto acid dehydrogenase E1 subunit beta; plus strand). Cytogenetic location: 6q14.1.
Variant type: single nucleotide variant.
Coding change: c.744G>A on transcript NM_183050.4 (MANE Select); coding-DNA position 744, G replaced by A.
Protein change: p.Ala248=; no amino-acid change (alanine 248 retained).
Molecular consequence: synonymous variant. On other transcripts: non-coding transcript variant (1).
Genome position (GRCh38, 1-based): chr6:80,200,935, G>A. VCF-style: chr6-80200935-G-A. GRCh37 (hg19) VCF-style: chr6-80910652-G-A.
Other names: c.744G>A, p.Ala248= (NM_000056.5); c.534G>A, p.Ala178= (NM_001318975.1); c.744G>A (NM_183050.3).
Identifiers: ClinVar variation 617991 (VCV000617991.29), dbSNP rs147719822, ClinGen allele CA3902752.